The following is an entry in ClinVar:

NM_001159699.2(FHL1):c.545A>G (p.Asn182Ser)

Gene: FHL1 (four and a half LIM domains 1; plus strand). Cytogenetic location: Xq26.3.
Variant type: single nucleotide variant.
Coding change: c.545A>G on transcript NM_001159699.2 (MANE Select); coding-DNA position 545, A replaced by G.
Protein change: p.Asn182Ser; replaces asparagine 182 with serine.
Molecular consequence: missense variant. On other transcripts: non-coding transcript variant (1).
Genome position (GRCh38, 1-based): chrX:136,207,957, A>G. VCF-style: chrX-136207957-A-G. GRCh37 (hg19) VCF-style: chrX-135290116-A-G.
Other names: c.497A>G, p.Asn166Ser (NM_001159700.2, NM_001159702.3, NM_001159703.2 and 9 more transcripts); c.584A>G, p.Asn195Ser (NM_001159701.2); c.545A>G, p.Asn182Ser (NM_001330659.2); short protein forms N195S, N166S, N182S.
Identifiers: ClinVar variation 936385 (VCV000936385.7), dbSNP rs1569530504, ClinGen allele CA414608667.
Genomic context (GRCh38, chrX:136,207,957, plus strand): 5'-AGGACTTCTACTGCGTGACTTGCCATGAGACCAAGTTTGCCAAGCATTGCGTGAAGTGCA[A>G]CAAGGTATGCTTTCAAGGGAGTTCTGCATTGACCGTTGTTTCTAGAAGTGTTTGACAGTT-3'
Protein context (NP_001153171.1, residues 172-192): TKFAKHCVKC[Asn182Ser]KAITSGGITY

ClinVar aggregate classification (germline): Uncertain significance. Review status: criteria provided, multiple submitters, no conflicts (2 of 4 stars). 2 submissions from 2 submitters: Uncertain significance (2). Last evaluated 2025-11-12.

Conditions:
Cardiovascular phenotype. Identifiers: MedGen CN230736.
X-linked myopathy with postural muscle atrophy. Also called: FHL1-Related Emery-Dreifuss Muscular Dystrophy, X-Linked. Identifiers: Orphanet 178461, MedGen C2678055, MONDO:0010401, OMIM 300696.

Allele frequency attached by ClinVar (database versions not stated): TOPMed below 0.00001; gnomAD exomes 0.00001; gnomAD 0.00002.

Submissions (2):

Labcorp Genetics (formerly Invitae), Labcorp
Classification: Uncertain significance for X-linked myopathy with postural muscle atrophy. Last evaluated: 2025-11-12. Review status: criteria provided, single submitter. Criteria: Invitae Variant Classification Sherloc (09022015). Collection method: clinical testing. Allele origin: germline.
Comment: This sequence change replaces asparagine, which is neutral and polar, with serine, which is neutral and polar, at codon 166 of the FHL1 protein (p.Asn166Ser). This variant is not present in population databases (gnomAD no frequency). This variant has not been reported in the literature in individuals affected with FHL1-related conditions. ClinVar contains an entry for this variant (Variation ID: 936385). An algorithm developed to predict the effect of missense changes on protein structure and function (PolyPhen-2) suggests that this variant is likely to be tolerated. In summary, the available evidence is currently insufficient to determine the role of this variant in disease. Therefore, it has been classified as a Variant of Uncertain Significance.

Ambry Genetics
Classification: Uncertain significance for Cardiovascular phenotype. Last evaluated: 2025-02-04. Review status: criteria provided, single submitter. Criteria: Ambry Variant Classification Scheme 2023. Collection method: clinical testing. Allele origin: germline.
Comment: The p.N166S variant (also known as c.497A>G), located in coding exon 3 of the FHL1 gene, results from an A to G substitution at nucleotide position 497. The asparagine at codon 166 is replaced by serine, an amino acid with highly similar properties. This amino acid position is conserved. In addition, this alteration is predicted to be tolerated by in silico analysis. Based on the available evidence, the clinical significance of this variant remains unclear.